The following is an entry in ClinVar:

NM_173651.4(FSIP2):c.6194A>G (p.Asp2065Gly)

Genes: FSIP2 (fibrous sheath interacting protein 2; plus strand), FSIP2-AS1 (FSIP2 antisense RNA 1; minus strand). Cytogenetic location: 2q32.1.
Variant type: single nucleotide variant.
Coding change: c.6194A>G on transcript NM_173651.4 (MANE Select); coding-DNA position 6194, A replaced by G.
Protein change: p.Asp2065Gly; replaces aspartic acid 2065 with glycine.
Molecular consequence: missense variant.
Genome position (GRCh38, 1-based): chr2:185,793,330, A>G. VCF-style: chr2-185793330-A-G. GRCh37 (hg19) VCF-style: chr2-186658057-A-G.
Other names: c.6461A>G (NM_173651.2); short protein forms D2065G.
Identifiers: ClinVar variation 3049697 (VCV003049697.3), dbSNP rs574426190, ClinGen allele CA2016734.
Genomic context (GRCh38, chr2:185,793,330, plus strand): 5'-TGTTAGACATTATATCACGTAAAGGCAAATGTGACAAAAACAGTTCTGACAAAGAGATCG[A>G]TTTAGATCAGCAAAAAGGTGTTATTGAAAAGCTGCTCAATGAGACCAAATATCGAAAAGT-3'
Protein context (NP_775922.3, residues 2055-2075): CDKNSSDKEI[Asp2065Gly]LDQQKGVIEK

ClinVar aggregate classification (germline): Uncertain significance. Review status: criteria provided, single submitter (1 of 4 stars). 2 submissions from 2 submitters: Uncertain significance (1). 1 of the submissions does not count toward it. Last evaluated 2025-08-25.

Conditions:
FSIP2-related disorder. Also called: FSIP2-related condition.

Allele frequency attached by ClinVar (database versions not stated): ExAC 0.00028; 1000 Genomes Project 0.00160; gnomAD 0.00177; TOPMed 0.00198; 1000 Genomes Project 30x 0.00234.
gnomAD v4.1: 513 of 1,534,252 alleles (0.033%); highest among the groups gnomAD compares: African/African-American, 0.61%; 1 homozygote.

Submissions (2):

Ambry Genetics
Classification: Uncertain significance. Last evaluated: 2025-08-25. Review status: criteria provided, single submitter. Criteria: Ambry Variant Classification Scheme 2023. Collection method: clinical testing. Allele origin: germline.

PreventionGenetics, part of Exact Sciences
Classification: Likely benign for FSIP2-related condition. Last evaluated: 2019-07-12. Review status: no assertion criteria provided. Collection method: clinical testing. Allele origin: germline. Not counted in ClinVar's aggregate classification.
Comment: This variant is classified as likely benign based on ACMG/AMP sequence variant interpretation guidelines (Richards et al. 2015 PMID: 25741868, with internal and published modifications).